The following is an entry in ClinVar:

ClinVar aggregate classification (germline): Uncertain significance (1 of 4 stars; one submission).

Allele frequency attached by ClinVar (database versions not stated): gnomAD exomes below 0.00001 and 0.00001; gnomAD 0.00001.
gnomAD v4.1: 4 of 1,613,766 alleles (0.00025%); highest among the groups gnomAD compares: Admixed American, 0.005%; no homozygotes.

Submission:

Labcorp Genetics (formerly Invitae), Labcorp
Classification: Uncertain significance. Last evaluated: 2021-12-20. Review status: criteria provided, single submitter. Criteria: Invitae Variant Classification Sherloc (09022015). Collection method: clinical testing. Allele origin: germline.
Comment: This sequence change replaces serine, which is neutral and polar, with alanine, which is neutral and non-polar, at codon 3024 of the SPEG protein (p.Ser3024Ala). This variant is present in population databases (no rsID available, gnomAD 0.003%). This variant has not been reported in the literature in individuals affected with SPEG-related conditions. Algorithms developed to predict the effect of missense changes on protein structure and function output the following: SIFT: "Tolerated"; PolyPhen-2: "Benign"; Align-GVGD: "Class C0". The alanine amino acid residue is found in multiple mammalian species, which suggests that this missense change does not adversely affect protein function. In summary, the available evidence is currently insufficient to determine the role of this variant in disease. Therefore, it has been classified as a Variant of Uncertain Significance.

NM_005876.5(SPEG):c.9070T>G (p.Ser3024Ala)

Genes: ASIC4-AS1 (ASIC4 antisense RNA 1; minus strand), SPEG (striated muscle enriched protein kinase; plus strand). Cytogenetic location: 2q35.
Variant type: single nucleotide variant.
Coding change: c.9070T>G on transcript NM_005876.5 (MANE Select); coding-DNA position 9070, T replaced by G.
Protein change: p.Ser3024Ala; replaces serine 3024 with alanine.
Molecular consequence: missense variant.
Genome position (GRCh38, 1-based): chr2:219,490,557, T>G. VCF-style: chr2-219490557-T-G. GRCh37 (hg19) VCF-style: chr2-220355279-T-G.
Other names: short protein forms S3024A.
Identifiers: ClinVar variation 1486388 (VCV001486388.6), dbSNP rs372206095, ClinGen allele CA350714334.